The following is an entry in ClinVar:

NM_001845.6(COL4A1):c.2418T>C (p.Ala806=)

Gene: COL4A1 (collagen type IV alpha 1 chain; minus strand). Cytogenetic location: 13q34.
Variant type: single nucleotide variant.
Coding change: c.2418T>C on transcript NM_001845.6 (MANE Select); coding-DNA position 2418, T replaced by C.
Protein change: p.Ala806=; no amino-acid change (alanine 806 retained).
Molecular consequence: synonymous variant.
Genome position (GRCh38, 1-based): chr13:110,178,963, A>G on the plus strand (T>C on the coding strand, the complement: COL4A1 is on the minus strand). VCF-style: chr13-110178963-A-G. GRCh37 (hg19) VCF-style: chr13-110831310-A-G.
Other names: p.Ala806=.
Identifiers: ClinVar variation 4683833 (VCV004683833.2).
Genomic context (GRCh38, chr13:110,178,963, plus strand): 5'-TCTAGAAGCATGTCACTCACCTGACAACCCCGGTGGTCCCTGTCCTCCAGGGGGACCCCT[A>G]GCTCCAGGGGGGCCTATTCCTGGAACTCCTGGAGACCCCACGGAGCCTGGCAATCCAGGA-3'
Protein context (NP_001836.3, residues 796-816): PGVPGIGPPG[Ala806=]RGPPGGQGPP

ClinVar aggregate classification (germline): Likely benign. Review status: criteria provided, multiple submitters, no conflicts (2 of 4 stars). 2 submissions from 2 submitters: Likely benign (2). Last evaluated 2026-02-02.

gnomAD v4.1: 2 of 1,612,550 alleles (0.00012%); highest among the groups gnomAD compares: Non-Finnish European, 0.00017%; no homozygotes.

Submissions (2):

Labcorp Genetics (formerly Invitae), Labcorp
Classification: Likely benign. Last evaluated: 2026-02-02. Review status: criteria provided, single submitter. Criteria: Invitae Variant Classification Sherloc (09022015). Collection method: clinical testing. Allele origin: germline.

Mayo Clinic Laboratories, Mayo Clinic
Classification: Likely benign. Last evaluated: 2025-03-19. Review status: criteria provided, single submitter. Criteria: ACMG Guidelines, 2015. Collection method: clinical testing. Allele origin: germline. Observed: 1 variant allele.
Comment: BP4, BP7, PM2_supporting